The following is an entry in ClinVar:

NM_001320033.2(SLC22A14):c.1239C>T (p.His413=)

Gene: SLC22A14 (solute carrier family 22 member 14; plus strand). Cytogenetic location: 3p22.2.
Variant type: single nucleotide variant.
Coding change: c.1239C>T on transcript NM_001320033.2 (MANE Select); coding-DNA position 1239, C replaced by T.
Protein change: p.His413=; no amino-acid change (histidine 413 retained).
Molecular consequence: synonymous variant.
Genome position (GRCh38, 1-based): chr3:38,313,802, C>T. VCF-style: chr3-38313802-C-T. GRCh37 (hg19) VCF-style: chr3-38355293-C-T.
Other names: c.1239C>T, p.His413= (NM_004803.4).
Identifiers: ClinVar variation 3905413 (VCV003905413.10).

ClinVar aggregate classification (germline): Likely benign (1 of 4 stars; one submission).

gnomAD v4.1: 263 of 1,613,198 alleles (0.016%); highest among the groups gnomAD compares: Admixed American, 0.31%; no homozygotes.

Submission:

CeGaT Center for Human Genetics Tuebingen
Classification: Likely benign. Last evaluated: 2025-06-01. Review status: criteria provided, single submitter. Criteria: CeGaT Center For Human Genetics Tuebingen Variant Classification Criteria Version 2. Collection method: clinical testing. Allele origin: germline. Affected: yes. Observed: 1 variant allele.
Comment: SLC22A14: BP4, BP7